The following is an entry in ClinVar:

NM_001367916.1(MAGT1):c.16C>T (p.Arg6Trp)

Genes: MAGT1 (magnesium transporter 1; minus strand), LOC130068460 (ATAC-STARR-seq lymphoblastoid active region 29781; plus strand). Cytogenetic location: Xq21.1.
Variant type: single nucleotide variant.
Coding change: c.16C>T on transcript NM_001367916.1 (MANE Select); coding-DNA position 16, C replaced by T.
Protein change: p.Arg6Trp; replaces arginine 6 with tryptophan.
Molecular consequence: missense variant.
Genome position (GRCh38, 1-based): chrX:77,895,395, G>A on the plus strand (C>T on the coding strand, the complement: MAGT1 is on the minus strand). VCF-style: chrX-77895395-G-A. GRCh37 (hg19) VCF-style: chrX-77150892-G-A.
Other names: c.112C>T, p.Arg38Trp (NM_032121.5); short protein forms R6W.
Identifiers: ClinVar variation 96214 (VCV000096214.22), dbSNP rs140854076, ClinGen allele CA223823.
Genomic context (GRCh38, chrX:77,895,395, plus strand): 5'-AGGGAACGTCGCAAACGATGAGCAGCGCCACCACCATGGTCACAGAGACACACCAAAACC[G>A]CCAACGCGCTGCCATGTTCGCTCCTCTCCCTTCTATAAGTGAAACTTTGCTCCGGCTAGG-3'
Protein context (NP_001354845.1, residues 1-16): MAARW[Arg6Trp]FWCVSVTMVV

ClinVar aggregate classification (germline): Conflicting classifications of pathogenicity. Review status: criteria provided, conflicting classifications (1 of 4 stars). 6 submissions from 6 submitters: Uncertain significance (1); Benign (3); Likely benign (2). Last evaluated 2026-02-02.

Conditions:
X-linked immunodeficiency with magnesium defect, Epstein-Barr virus infection and neoplasia. Identifiers: Orphanet 317476, MedGen C3275445, MONDO:0010455, OMIM 300853.

Allele frequency attached by ClinVar (database versions not stated): TOPMed 0.00141; ESP Exome Variant Server 0.00180; 1000 Genomes Project 30x 0.00312; 1000 Genomes Project 0.00265.
gnomAD v4.1: 3,123 of 1,210,302 alleles (0.26%); highest among the groups gnomAD compares: South Asian, 0.85%; 5 homozygotes.

Submissions (6):

Labcorp Genetics (formerly Invitae), Labcorp
Classification: Benign for X-linked immunodeficiency with magnesium defect, Epstein-Barr virus infection and neoplasia. Last evaluated: 2026-02-02. Review status: criteria provided, single submitter. Criteria: Invitae Variant Classification Sherloc (09022015). Collection method: clinical testing. Allele origin: germline.

Blueprint Genetics
Classification: Likely benign. Last evaluated: 2024-11-28. Review status: criteria provided, single submitter. Criteria: ACMG Guidelines, 2015. Collection method: clinical testing. Allele origin: germline.

Mayo Clinic Laboratories, Mayo Clinic
Classification: Benign. Last evaluated: 2024-09-30. Review status: criteria provided, single submitter. Criteria: ACMG Guidelines, 2015. Collection method: clinical testing. Allele origin: germline. Observed: 4 variant alleles.
Comment: BS1, BS2, BP4

Genetic Services Laboratory, University of Chicago
Classification: Benign. Last evaluated: 2021-05-26. Review status: criteria provided, single submitter. Criteria: ACMG Guidelines, 2015. Collection method: clinical testing. Allele origin: germline. Affected: no.

GeneDx
Classification: Likely benign. Last evaluated: 2021-02-09. Review status: criteria provided, single submitter. Criteria: GeneDx Variant Classification Process June 2021. Collection method: clinical testing. Allele origin: germline. Affected: yes.

Eurofins Ntd Llc (ga)
Classification: Uncertain significance. Last evaluated: 2013-05-13. Review status: criteria provided, single submitter. Criteria: EGL Classification Definitions 2015. Collection method: clinical testing. Allele origin: germline. Observed: 3 variant alleles, 1 heterozygote, 2 hemizygotes.